The following is an entry in ClinVar:

NM_000324.3(RHAG):c.518C>T (p.Thr173Met)

Gene: RHAG (Rh associated glycoprotein; minus strand). Cytogenetic location: 6p12.3.
Variant type: single nucleotide variant.
Coding change: c.518C>T on transcript NM_000324.3 (MANE Select); coding-DNA position 518, C replaced by T.
Protein change: p.Thr173Met; replaces threonine 173 with methionine.
Molecular consequence: missense variant.
Genome position (GRCh38, 1-based): chr6:49,615,746, G>A on the plus strand (C>T on the coding strand, the complement: RHAG is on the minus strand). VCF-style: chr6-49615746-G-A. GRCh37 (hg19) VCF-style: chr6-49583459-G-A.
Other names: p.Thr173Met; short protein forms T173M.
Identifiers: ClinVar variation 2682927 (VCV002682927.1), dbSNP rs1203798220, ClinGen allele CA364400273.

ClinVar aggregate classification (germline): Uncertain significance (1 of 4 stars; one submission).

Allele frequency attached by ClinVar (database versions not stated): gnomAD exomes 0.00001; gnomAD 0.00002.
gnomAD v4.1: 19 of 1,613,940 alleles (0.0012%); highest among the groups gnomAD compares: African/African-American, 0.0027%; no homozygotes.

Submission:

Mayo Clinic Laboratories, Mayo Clinic
Classification: Uncertain significance. Last evaluated: 2022-06-03. Review status: criteria provided, single submitter. Criteria: ACMG Guidelines, 2015. Collection method: clinical testing. Allele origin: germline. Observed: 1 variant allele.
Comment: BP4